The following is an entry in ClinVar:

ClinVar aggregate classification (germline): Uncertain significance. Review status: criteria provided, multiple submitters, no conflicts (2 of 4 stars). 2 submissions from 2 submitters: Uncertain significance (2). Last evaluated 2023-02-24.

Allele frequency attached by ClinVar (database versions not stated): ESP Exome Variant Server 0.00008.
gnomAD v4.1: 20 of 1,612,854 alleles (0.0012%); highest among the groups gnomAD compares: Middle Eastern, 0.083%; no homozygotes.

Submissions (2):

Labcorp Genetics (formerly Invitae), Labcorp
Classification: Uncertain significance. Last evaluated: 2023-02-24. Review status: criteria provided, single submitter. Criteria: Invitae Variant Classification Sherloc (09022015). Collection method: clinical testing. Allele origin: germline.
Comment: This sequence change replaces aspartic acid, which is acidic and polar, with tyrosine, which is neutral and polar, at codon 2117 of the SORL1 protein (p.Asp2117Tyr). In summary, the available evidence is currently insufficient to determine the role of this variant in disease. Therefore, it has been classified as a Variant of Uncertain Significance. An algorithm developed to predict the effect of missense changes on protein structure and function (PolyPhen-2) suggests that this variant is likely to be disruptive. This variant has not been reported in the literature in individuals affected with SORL1-related conditions. This variant is present in population databases (rs144806633, gnomAD 0.003%).

Ambry Genetics
Classification: Uncertain significance. Last evaluated: 2023-01-23. Review status: criteria provided, single submitter. Criteria: Ambry Variant Classification Scheme 2023. Collection method: clinical testing. Allele origin: germline.

NM_003105.6(SORL1):c.6349G>T (p.Asp2117Tyr)

Gene: SORL1 (sortilin related receptor 1; plus strand). Cytogenetic location: 11q24.1.
Variant type: single nucleotide variant.
Coding change: c.6349G>T on transcript NM_003105.6 (MANE Select); coding-DNA position 6349, G replaced by T.
Protein change: p.Asp2117Tyr; replaces aspartic acid 2117 with tyrosine.
Molecular consequence: missense variant.
Genome position (GRCh38, 1-based): chr11:121,625,262, G>T. VCF-style: chr11-121625262-G-T. GRCh37 (hg19) VCF-style: chr11-121495971-G-T.
Other names: short protein forms D2117Y.
Identifiers: ClinVar variation 2477390 (VCV002477390.5), dbSNP rs144806633, ClinGen allele CA229895490.